The following is an entry in ClinVar:

NM_004821.3(HAND1):c.161C>T (p.Pro54Leu)

Gene: HAND1 (heart and neural crest derivatives expressed 1; minus strand). Cytogenetic location: 5q33.2.
Variant type: single nucleotide variant.
Coding change: c.161C>T on transcript NM_004821.3 (MANE Select); coding-DNA position 161, C replaced by T.
Protein change: p.Pro54Leu; replaces proline 54 with leucine.
Molecular consequence: missense variant.
Genome position (GRCh38, 1-based): chr5:154,477,848, G>A on the plus strand (C>T on the coding strand, the complement: HAND1 is on the minus strand). VCF-style: chr5-154477848-G-A. GRCh37 (hg19) VCF-style: chr5-153857408-G-A.
Other names: short protein forms P54L.
Identifiers: ClinVar variation 1988182 (VCV001988182.4), dbSNP rs780969396, ClinGen allele CA3526626.
Genomic context (GRCh38, chr5:154,477,848, plus strand): 5'-GGACCATAGGCGGTGGCGGCTGCAGCGGCCGCGGGCGGCGGCCCGCCCGCAGGGAAGTCC[G>A]GGGCAGCGTCAGCCGGGCTCAGCAGCCAGCTCTGGAAGTAGGGCCTTTCCTGATGACAGC-3'
Protein context (NP_004812.1, residues 44-64): SWLLSPADAA[Pro54Leu]DFPAGGPPPA

ClinVar aggregate classification (germline): Uncertain significance (1 of 4 stars; one submission).

Conditions:
Hypoplastic left heart syndrome. Also called: Hypoplastic left heart; Hypoplastic left ventricle. Identifiers: Orphanet 2248, MedGen C0152101, MONDO:0004933, HP:0004383.

Allele frequency attached by ClinVar (database versions not stated): gnomAD 0.00001; TOPMed 0.00001.
gnomAD v4.1: 4 of 1,601,588 alleles (0.00025%); highest among the groups gnomAD compares: East Asian, 0.0022%; no homozygotes.

Submission:

Labcorp Genetics (formerly Invitae), Labcorp
Classification: Uncertain significance for Hypoplastic left heart syndrome. Last evaluated: 2022-09-03. Review status: criteria provided, single submitter. Criteria: Invitae Variant Classification Sherloc (09022015). Collection method: clinical testing. Allele origin: germline.
Comment: This variant has not been reported in the literature in individuals affected with HAND1-related conditions. In summary, the available evidence is currently insufficient to determine the role of this variant in disease. Therefore, it has been classified as a Variant of Uncertain Significance. Algorithms developed to predict the effect of missense changes on protein structure and function (SIFT, PolyPhen-2, Align-GVGD) all suggest that this variant is likely to be tolerated. This variant is present in population databases (rs780969396, gnomAD 0.006%). This sequence change replaces proline, which is neutral and non-polar, with leucine, which is neutral and non-polar, at codon 54 of the HAND1 protein (p.Pro54Leu).